The following is an entry in ClinVar:

NM_022047.4(DEF6):c.1006C>T (p.Arg336Trp)

Gene: DEF6 (DEF6 guanine nucleotide exchange factor; plus strand). Cytogenetic location: 6p21.31.
Variant type: single nucleotide variant.
Coding change: c.1006C>T on transcript NM_022047.4 (MANE Select); coding-DNA position 1006, C replaced by T.
Protein change: p.Arg336Trp; replaces arginine 336 with tryptophan.
Molecular consequence: missense variant.
Genome position (GRCh38, 1-based): chr6:35,318,262, C>T. VCF-style: chr6-35318262-C-T. GRCh37 (hg19) VCF-style: chr6-35286039-C-T.
Other names: p.Arg336Trp; short protein forms R336W.
Identifiers: ClinVar variation 3379673 (VCV003379673.1).

ClinVar aggregate classification (germline): Uncertain significance (1 of 4 stars; one submission).

Submission:

Mayo Clinic Laboratories, Mayo Clinic
Classification: Uncertain significance. Last evaluated: 2023-08-21. Review status: criteria provided, single submitter. Criteria: ACMG Guidelines, 2015. Collection method: clinical testing. Allele origin: germline. Observed: 1 variant allele.
Comment: BP4